The following is an entry in ClinVar:

NM_000350.3(ABCA4):c.5337C>G (p.Tyr1779Ter)

Gene: ABCA4 (ATP binding cassette subfamily A member 4; minus strand). Cytogenetic location: 1p22.1.
Variant type: single nucleotide variant.
Coding change: c.5337C>G on transcript NM_000350.3 (MANE Select); coding-DNA position 5337, C replaced by G.
Protein change: p.Tyr1779Ter; replaces tyrosine 1779 with a stop codon.
Molecular consequence: nonsense.
Genome position (GRCh38, 1-based): chr1:94,014,666, G>C on the plus strand (C>G on the coding strand, the complement: ABCA4 is on the minus strand). VCF-style: chr1-94014666-G-C. GRCh37 (hg19) VCF-style: chr1-94480222-G-C.
Other names: c.5115C>G, p.Tyr1705Ter (NM_001425324.1); short protein forms Y1779*, Y1705*.
Identifiers: ClinVar variation 99370 (VCV000099370.10), dbSNP rs61750573, ClinGen allele CA227303.

ClinVar aggregate classification (germline): Pathogenic. Review status: criteria provided, multiple submitters, no conflicts (2 of 4 stars). 4 submissions from 4 submitters: Pathogenic (3). 1 of the submissions does not count toward it. Last evaluated 2025-02-06.

Conditions:
ABCA4-related disorder. Also called: ABCA4-related disorders; ABCA4-related condition. Identifiers: MedGen CN239167.

Allele frequency attached by ClinVar (database versions not stated): gnomAD 0.00001 and 0.00002; 1000 Genomes Project 30x 0.00016; 1000 Genomes Project 0.00020.
gnomAD v4.1: 3 of 1,614,194 alleles (0.00019%); highest among the groups gnomAD compares: African/African-American, 0.004%; no homozygotes.

Submissions (4):

GeneDx
Classification: Pathogenic. Last evaluated: 2025-02-06. Review status: criteria provided, single submitter. Criteria: GeneDx Variant Classification Process June 2021. Collection method: clinical testing. Allele origin: germline.
Comment: Identified in patients with Stargardt disease in published literature (PMID: 29925512, 10634594); Nonsense variant predicted to result in protein truncation or nonsense mediated decay in a gene for which loss-of-function is a known mechanism of disease; Not observed in large population cohorts (gnomAD); This variant is associated with the following publications: (PMID: 35120629, 25525159, 10634594, 29925512)

Labcorp Genetics (formerly Invitae), Labcorp
Classification: Pathogenic. Last evaluated: 2024-09-27. Review status: criteria provided, single submitter. Criteria: Invitae Variant Classification Sherloc (09022015). Collection method: clinical testing. Allele origin: germline.
Comment: This sequence change creates a premature translational stop signal (p.Tyr1779*) in the ABCA4 gene. It is expected to result in an absent or disrupted protein product. Loss-of-function variants in ABCA4 are known to be pathogenic (PMID: 10958761, 24938718, 25312043, 26780318). This variant is not present in population databases (gnomAD no frequency). This premature translational stop signal has been observed in individual(s) with Stargardt Disease (PMID: 10634594, 28355279, 29925512). ClinVar contains an entry for this variant (Variation ID: 99370). Algorithms developed to predict the effect of sequence changes on RNA splicing suggest that this variant may disrupt the consensus splice site. For these reasons, this variant has been classified as Pathogenic.

Blueprint Genetics
Classification: Pathogenic for ABCA4-related disorders. Last evaluated: 2024-01-30. Review status: criteria provided, single submitter. Criteria: ACMG Guidelines, 2015. Collection method: clinical testing. Allele origin: germline. Affected: yes. Observed: 3 variant alleles.

Retina International
No classification provided. Review status: no classification provided. Collection method: not provided. Allele origin: not provided. Not counted in ClinVar's aggregate classification.

Literature cited by the submitters: PubMed 10958761 (cited by Labcorp Genetics (formerly Invitae), Labcorp); PubMed 24938718 (cited by Labcorp Genetics (formerly Invitae), Labcorp); PubMed 25312043 (cited by Labcorp Genetics (formerly Invitae), Labcorp); PubMed 26780318 (cited by Labcorp Genetics (formerly Invitae), Labcorp); PubMed 10634594 (cited by Labcorp Genetics (formerly Invitae), Labcorp); PubMed 28355279 (cited by Labcorp Genetics (formerly Invitae), Labcorp); PubMed 29925512 (cited by Labcorp Genetics (formerly Invitae), Labcorp).